The following is an entry in ClinVar:

NM_005343.4(HRAS):c.181C>A (p.Gln61Lys)

Genes: HRAS (HRas proto-oncogene, GTPase; minus strand), LRRC56 (leucine rich repeat containing 56; plus strand). Cytogenetic location: 11p15.5.
Variant type: single nucleotide variant.
Coding change: c.181C>A on transcript NM_005343.4 (MANE Select); coding-DNA position 181, C replaced by A.
Protein change: p.Gln61Lys; replaces glutamine 61 with lysine.
Molecular consequence: missense variant. On other transcripts: 5 prime UTR variant (1).
Genome position (GRCh38, 1-based): chr11:533,875, G>T on the plus strand (C>A on the coding strand, the complement: HRAS is on the minus strand). VCF-style: chr11-533875-G-T. GRCh37 (hg19) VCF-style: chr11-533875-G-T.
Other names: c.181C>A, p.Gln61Lys (NM_001130442.3, NM_176795.5); c.-139C>A (NM_001318054.2); short protein forms Q61K.
Identifiers: ClinVar variation 12601 (VCV000012601.5), dbSNP rs28933406, ClinGen allele CA122547.
Genomic context (GRCh38, chr11:533,875, plus strand): 5'-CACACAGGAAGCCCTCCCCGGTGCGCATGTACTGGTCCCGCATGGCGCTGTACTCCTCCT[G>T]GCCGGCGGTATCCAGGATGTCCAACAGGCACGTCTCCCCATCAATGACCACCTGCTTCCG-3'
Protein context (NP_005334.1, residues 51-71): CLLDILDTAG[Gln61Lys]EEYSAMRDQY

ClinVar aggregate classification (germline): Pathogenic/Likely pathogenic. Review status: criteria provided, multiple submitters, no conflicts (2 of 4 stars). 6 submissions from 5 submitters: Pathogenic (1); Likely pathogenic (2). 3 of the submissions do not count toward it. Last evaluated 2024-03-21.
ClinVar aggregate classification (somatic clinical impact): Tier I - Strong. Review status: criteria provided, single submitter (1 of 4 stars). 3 submissions from 1 submitter. 1 of the submissions does not count toward it. Last evaluated 2024-06-25.
ClinVar aggregate classification (oncogenicity): Oncogenic (1 of 4 stars; one submission).

Conditions:
Lip and oral cavity carcinoma. Identifiers: MedGen C0220641, MONDO:0023644.
Epidermal nevus. Also called: Nevus, epidermal, somatic; NEVUS, KERATINOCYTIC, NONEPIDERMOLYTIC. Identifiers: Orphanet 79414, MedGen C0334082, MONDO:0008093, OMIM 162900, HP:0010816.
Spermatocytic seminoma. Also called: Spermatocytic seminoma, somatic. Identifiers: Orphanet 99865, MedGen C0334517, MONDO:0020513.
Noonan syndrome 3 (NS3). Also called: KRAS-Related Noonan Syndrome. Identifiers: Orphanet 648, MedGen C1860991, MONDO:0012371, OMIM 609942.
Thyroid cancer, nonmedullary, 2 (NMTC2). Also called: THYROID CANCER, NONMEDULLARY, 2, SUSCEPTIBILITY TO; THYROID CARCINOMA, FOLLICULAR; Thyroid carcinoma, follicular, somatic. Identifiers: MedGen C4225426, MONDO:0008566, OMIM 188470.
Embryonal rhabdomyosarcoma (ERMS). Also called: Botryoid rhabdomyosarcoma (type of ERMS); Spindle cell rhabdomyosarcomas (type of ERMS). Identifiers: Orphanet 99757, MedGen C0206656, MONDO:0009993, HP:0006743.
Neuroblastoma (NB). Identifiers: Orphanet 635, MedGen C0027819, MeSH D009447, MONDO:0005072, HP:0003006.
Familial medullary thyroid carcinoma (MTC). Also called: Thyroid cancer, familial medullary; MTC, familial; Familial Medullary Thyroid Carcinoma (FMTC). Identifiers: Orphanet 653, Orphanet 99361, MedGen C1833921, MONDO:0007958, OMIM 155240.
Neoplasm. Also called: Neoplasms; Neoplasm (disease); tumor. Identifiers: MedGen C0027651, MeSH D009369, MONDO:0005070, HP:0002664.

Submissions (10):

Center for Genomic Medicine, Rigshospitalet, Copenhagen University Hospital
Classification: Oncogenic for Neoplasm. Last evaluated: 2026-10-16. Review status: criteria provided, single submitter. Criteria: ClinGen/CGC/VICC Guidelines for Oncogenicity, 2022. Collection method: clinical testing. Allele origin: somatic. Affected: yes.

Institute for Genomic Medicine (IGM) Clinical Laboratory, Nationwide Children's Hospital
Classification: Tier I - Strong for Familial medullary thyroid carcinoma. Assertion type: diagnostic. Clinical significance: supports diagnosis. Last evaluated: 2024-06-25. Review status: criteria provided, single submitter. Criteria: AMP/ASCO/CAP Guidelines, 2017. Collection method: clinical testing. Allele origin: somatic. Affected: yes.
Comment: Variant has Tier I (strong) clinical significance as a diagnostic inclusion criterion in familial medullary thyroid carcinoma, based on the following evidence: 1) Documented in one or more cancer databases (e.g., St. Jude Pecan, COSMIC, CIViC, OncoKB). 2) Appears in one or more well-established professional guidelines (e.g., World Health Organization [WHO]; National Comprehensive Cancer Network [NCCN]) as providing diagnostic, prognostic, or therapeutic information. 3) Information in the literature supports potential biologic effect of variant (PMIDs: 32930679, 2105846, 18073111). 4) Diagnostic for a specific tumor type/classification based on well-powered studies with expert-level consensus (Evidence Level B; PMIDs: 22865907, 31605946, 21325462, 26295973).

Institute for Genomic Medicine (IGM) Clinical Laboratory, Nationwide Children's Hospital
Classification: Tier I - Strong for Embryonal rhabdomyosarcoma. Assertion type: diagnostic. Clinical significance: supports diagnosis. Last evaluated: 2024-06-19. Review status: criteria provided, single submitter. Criteria: AMP/ASCO/CAP Guidelines, 2017. Collection method: clinical testing. Allele origin: somatic. Affected: yes.
Comment: Variant has Tier I (strong) clinical significance as a diagnostic inclusion criterion in embryonal rhabdomyosarcoma, based on the following evidence: 1) Documented in one or more cancer databases (e.g., St. Jude Pecan, COSMIC, CIViC, OncoKB). 2) Appears in one or more well-established professional guidelines (e.g., World Health Organization [WHO]; National Comprehensive Cancer Network [NCCN]) as providing diagnostic, prognostic, or therapeutic information. 3) Information in the literature supports potential biologic effect of variant (PMIDs: 20194776, 3510078, 32930679, 2105846). 4) Diagnostic for a specific tumor type/classification based on well-powered studies with expert-level consensus (Evidence Level B; PMIDs: 34166060, 24436047, 19681119, 24332040, 25768946, 26349418).

Clinical Genomics Laboratory, Washington University in St. Louis
Classification: Likely pathogenic for Epidermal nevus. Last evaluated: 2024-03-21. Review status: criteria provided, single submitter. Criteria: ACMG Guidelines, 2015. Collection method: clinical testing. Allele origin: somatic. Affected: yes.
Comment: An HRAS c.181C>A (p.Gln61Lys) variant was identified at an allelic fraction consistent with somatic origin. This variant has been reported in an individual with epidermal nevus (Huang L et al., PMID: 35567308). This variant has been reported in the ClinVar database as a pathogenic/likely pathogenic germline variant by two submitters (ClinVar ID: 12601) and has been reported as a somatic variant in multiple cases in the cancer database COSMIC (COSV54236740). This variant is absent from the general population (gnomAD v.4.0.0), indicating that it is not a common variant. Another variant in the same codon, (p.Gln61Arg), has been reported in two individuals with melanocytic nevus (Groesser L et al., PMID: 23337891). The HRAS c.181C>A (p.Gln61Lys) variant resides within an H_N_K_Ras_like domain, amino acids 3-164, of HRAS that is defined as a critical functional domain (Wey M et al., PMID: 24224811). Computational predictors indicate that the variant is damaging, evidence that correlates with impact to HRAS function. The HRAS gene is defined by ClinGen's RASopathy expert panel as a gene with a low rate of benign missense variation and where pathogenic missense variants are a common disease mechanism (Gelb BD et al., PMID: 29493581). Based on the ACMG/AMP guidelines (Richards S et al., PMID: 25741868) and gene-specific practices from the ClinGen Criteria Specification Registry, the HRAS c.181C>A (p.Gln61Lys) variant is classified as likely pathogenic.

Institute for Genomic Medicine (IGM) Clinical Laboratory, Nationwide Children's Hospital
Classification: Tier II - Potential for Neuroblastoma. Assertion type: diagnostic. Clinical significance: supports diagnosis. Last evaluated: 2024-03-04. Review status: criteria provided, single submitter. Criteria: AMP/ASCO/CAP Guidelines, 2017. Collection method: clinical testing. Allele origin: somatic. Affected: yes. Not counted in ClinVar's aggregate classification.
Comment: Variant has Tier II (potential) clinical significance as a diagnostic inclusion criterion in neuroblastoma, based on the following evidence: 1) Documented in one or more cancer databases (e.g., St. Jude Pecan, COSMIC, CIViC, OncoKB). 2) Information in the literature supports potential biologic effect of variant (PMIDs: 20194776, 3510078, 34117033). 3) Diagnostic significance based on multiple small studies (Evidence Level C; PMIDs: 30523111, 33056981, 26121087).

GeneDx
Classification: Pathogenic. Last evaluated: 2018-08-16. Review status: criteria provided, single submitter. Criteria: GeneDx Variant Classification (06012015). Collection method: clinical testing. Allele origin: germline. Affected: yes.
Comment: The Q61K missense variant in the HRAS gene has not been previously published as a germline variant in association with RASopathies. However, the Q61K variant is not observed in large population cohorts (Lek et al., 2016). The variant is a semi-conservative amino acid substitution in the GTP nucleotide binding region, which may impact secondary protein structure as these residues differ in some properties. In-silico analyses, including protein predictors and evolutionary conservation, support a deleterious effect. Missense variants in the same (Q61R) and nearby residues (T58I, G60D/V, E63K) of HRAS have been reported in the Human Gene Mutation Database in association with Noonan spectrum disorders (Stenson et al., 2014). Additionally, variants at the same codon in KRAS (Q61P) and NRAS (Q61P/H/R) have been reported, supporting the functional importance of this region of the protein. We interpret this variant as pathogenic

Women's Health and Genetics/Laboratory Corporation of America, LabCorp
Classification: Likely pathogenic for Noonan syndrome 3. Last evaluated: 2017-08-28. Review status: criteria provided, single submitter. Criteria: LabCorp Variant Classification Summary - May 2015. Collection method: clinical testing. Allele origin: germline.
Comment: Variant summary: The HRAS c.181C>A (p.Gln61Lys) variant involves the alteration of a conserved nucleotide. 2/4 in silico tools predict a benign outcome for this variant (SNPsandGO not captured due to low reliability index). This variant is absent in 120996 control chromosomes. This variant has been reported as somatic variant in many cancer samples and has been shown to strongly activate the transforming potential of HRAS gene and produce an 8-10 fold reduction in GTPase activity by functional study (Der_1986). This supports the role of inhibition of GTP hydrolysis resulting in a constitutively activated HRAS protein, consistent with the established mechanism of disease attributed to variants in the HRAS gene. In addition, codon Gln61 has been reported as a hotspot for transforming mutations (Saxowsky_2008), and variant was reported as a somatic variant by Database of Curated Mutations (DoCM) to Likely pathogenic. This variant has not, to our knowledge, been reported as a germline variant in patients with Noonan syndrome and related conditions. Taken together, this variant is classified as likely pathogenic until more evidence becomes available.

Institute of Medical Sciences, Banaras Hindu University
Classification: Pathogenic for Lip and oral cavity carcinoma. Last evaluated: 2019-04-30. Review status: no assertion criteria provided. Collection method: research. Allele origin: somatic. Affected: yes. Not counted in ClinVar's aggregate classification.

OMIM
Classification: Pathogenic for THYROID CARCINOMA, FOLLICULAR, SOMATIC. Last evaluated: 2009-11-01. Review status: no assertion criteria provided. Collection method: literature only. Allele origin: somatic. Not counted in ClinVar's aggregate classification.

OMIM
Classification: Pathogenic for SPERMATOCYTIC SEMINOMA, SOMATIC. Last evaluated: 2009-11-01. Review status: no assertion criteria provided. Collection method: literature only. Allele origin: somatic. Not counted in ClinVar's aggregate classification.

Literature cited by the submitters: PubMed 32930679 (cited by Institute for Genomic Medicine (IGM) Clinical Laboratory, Nationwide Children's Hospital); PubMed 2105846 (cited by Institute for Genomic Medicine (IGM) Clinical Laboratory, Nationwide Children's Hospital); PubMed 18073111 (cited by Institute for Genomic Medicine (IGM) Clinical Laboratory, Nationwide Children's Hospital); PubMed 22865907 (cited by Institute for Genomic Medicine (IGM) Clinical Laboratory, Nationwide Children's Hospital); PubMed 31605946 (cited by Institute for Genomic Medicine (IGM) Clinical Laboratory, Nationwide Children's Hospital); PubMed 21325462 (cited by Institute for Genomic Medicine (IGM) Clinical Laboratory, Nationwide Children's Hospital); PubMed 26295973 (cited by Institute for Genomic Medicine (IGM) Clinical Laboratory, Nationwide Children's Hospital); PubMed 20194776 (cited by Institute for Genomic Medicine (IGM) Clinical Laboratory, Nationwide Children's Hospital); PubMed 3510078 (cited by Institute for Genomic Medicine (IGM) Clinical Laboratory, Nationwide Children's Hospital); PubMed 34166060 (cited by Institute for Genomic Medicine (IGM) Clinical Laboratory, Nationwide Children's Hospital); PubMed 24436047 (cited by Institute for Genomic Medicine (IGM) Clinical Laboratory, Nationwide Children's Hospital); PubMed 19681119 (cited by Institute for Genomic Medicine (IGM) Clinical Laboratory, Nationwide Children's Hospital); PubMed 24332040 (cited by Institute for Genomic Medicine (IGM) Clinical Laboratory, Nationwide Children's Hospital); PubMed 25768946 (cited by Institute for Genomic Medicine (IGM) Clinical Laboratory, Nationwide Children's Hospital); PubMed 26349418 (cited by Institute for Genomic Medicine (IGM) Clinical Laboratory, Nationwide Children's Hospital); PubMed 34117033 (cited by Institute for Genomic Medicine (IGM) Clinical Laboratory, Nationwide Children's Hospital); PubMed 30523111 (cited by Institute for Genomic Medicine (IGM) Clinical Laboratory, Nationwide Children's Hospital); PubMed 33056981 (cited by Institute for Genomic Medicine (IGM) Clinical Laboratory, Nationwide Children's Hospital); PubMed 26121087 (cited by Institute for Genomic Medicine (IGM) Clinical Laboratory, Nationwide Children's Hospital); PubMed 31775759 (cited by Institute of Medical Sciences, Banaras Hindu University); PubMed 12727991 (cited by OMIM); PubMed 19855393 (cited by OMIM).